The following is an entry in ClinVar:

ClinVar aggregate classification (germline): Conflicting classifications of pathogenicity. Review status: criteria provided, conflicting classifications (1 of 4 stars). 4 submissions from 4 submitters: Uncertain significance (3); Likely benign (1). Last evaluated 2025-09-09.

Conditions:
Hereditary cancer-predisposing syndrome. Also called: Neoplastic Syndromes, Hereditary; Tumor predisposition; Hereditary Cancer Syndrome; Hereditary neoplastic syndrome. Identifiers: Orphanet 140162, MedGen C0027672, MeSH D009386, MONDO:0015356.
Hereditary breast ovarian cancer syndrome. Also called: Hereditary breast and ovarian cancer syndrome; BRCA1- and BRCA2-Associated Hereditary Breast and Ovarian Cancer; Breast and ovarian cancer; Hereditary breast and/or ovarian cancer syndrome; Hereditary breast and ovarian cancer; Hereditary breast and ovarian cancer syndrome (HBOC). Identifiers: Orphanet 145, MedGen C0677776, MeSH D061325, MONDO:0003582. Disease mechanism: loss of function.

Submissions (4):

Color Diagnostics, LLC DBA Color Health
Classification: Uncertain significance for Hereditary cancer-predisposing syndrome. Last evaluated: 2025-09-09. Review status: criteria provided, single submitter. Criteria: ACMG Guidelines, 2015. Collection method: clinical testing. Allele origin: germline.
Comment: This missense variant replaces proline with alanine at codon 1589 of the BRCA2 protein. Computational prediction suggests that this variant may not impact protein structure and function. To our knowledge, functional studies have not been reported for this variant. A multifactorial analysis has reached a combined likelihood ratio (LR) of 0.699 based on reported LR for co-occurrence with a pathogenic variant and personal and family history for 1 carrier. (PMID: 31853058). This variant has not been identified in the general population by the Genome Aggregation Database (gnomAD). The available evidence is insufficient to determine the role of this variant in disease conclusively. Therefore, this variant is classified as a Variant of Uncertain Significance.

University of Washington Department of Laboratory Medicine, University of Washington
Classification: Likely benign for Hereditary cancer-predisposing syndrome. Last evaluated: 2023-03-23. Review status: criteria provided, single submitter. Criteria: Dines et al. (Genet Med. 2020). Collection method: curation. Allele origin: germline.
Comment: Missense variant in a coldspot region where missense variants are very unlikely to be pathogenic (PMID:31911673).

BRCA2 exon 11 coldspot. Reclassification based on statistical prior probability.

Labcorp Genetics (formerly Invitae), Labcorp
Classification: Uncertain significance for Hereditary breast ovarian cancer syndrome. Last evaluated: 2023-02-01. Review status: criteria provided, single submitter. Criteria: Invitae Variant Classification Sherloc (09022015). Collection method: clinical testing. Allele origin: germline.
Comment: In summary, the available evidence is currently insufficient to determine the role of this variant in disease. Therefore, it has been classified as a Variant of Uncertain Significance. Advanced modeling of protein sequence and biophysical properties (such as structural, functional, and spatial information, amino acid conservation, physicochemical variation, residue mobility, and thermodynamic stability) performed at Invitae indicates that this missense variant is not expected to disrupt BRCA2 protein function. ClinVar contains an entry for this variant (Variation ID: 233379). This variant has not been reported in the literature in individuals affected with BRCA2-related conditions. This variant is not present in population databases (gnomAD no frequency). This sequence change replaces proline, which is neutral and non-polar, with alanine, which is neutral and non-polar, at codon 1589 of the BRCA2 protein (p.Pro1589Ala).

Ambry Genetics
Classification: Uncertain significance for Hereditary cancer-predisposing syndrome. Last evaluated: 2015-08-12. Review status: criteria provided, single submitter. Criteria: Ambry Variant Classification Scheme 2023. Collection method: clinical testing. Allele origin: germline.
Comment: The p.P1589A variant (also known as c.4765C>G and 4993C>G), located in coding exon 10 of the BRCA2 gene, results from a C to G substitution at nucleotide position 4765. The proline at codon 1589 is replaced by alanine, an amino acid with highly similar properties. This variant was not reported in population based cohorts in the following databases: Database of Single Nucleotide Polymorphisms (dbSNP), NHLBI Exome Sequencing Project (ESP), and 1000 Genomes Project. In the ESP, this variant was not observed in 6503 samples (13006 alleles) with coverage at this position. To date, this alteration has been detected with an allele frequency of approximately 0.001% (greater than 150000 alleles tested) in our clinical cohort. This amino acid position is poorly conserved in available vertebrate species. In addition, this alteration is predicted to be tolerated by in silico analysis. Since supporting evidence is limited at this time, the clinical significance of p.P1589A remains unclear.

Literature cited by the submitters: PubMed 31853058 (cited by Color Diagnostics, LLC DBA Color Health).

NM_000059.4(BRCA2):c.4765C>G (p.Pro1589Ala)

Gene: BRCA2 (BRCA2 DNA repair associated; plus strand). Cytogenetic location: 13q13.1.
Variant type: single nucleotide variant.
Coding change: c.4765C>G on transcript NM_000059.4 (MANE Select); coding-DNA position 4765, C replaced by G.
Protein change: p.Pro1589Ala; replaces proline 1589 with alanine.
Molecular consequence: missense variant.
Genome position (GRCh38, 1-based): chr13:32,339,120, C>G. VCF-style: chr13-32339120-C-G. GRCh37 (hg19) VCF-style: chr13-32913257-C-G.
Other names: short protein forms P1589A.
Identifiers: ClinVar variation 233379 (VCV000233379.20), dbSNP rs876660366, ClinGen allele CA10579630.
Genomic context (GRCh38, chr13:32,339,120, plus strand): 5'-TACAGAGAGGCCTGTAAAGACCTTGAATTAGCATGTGAGACCATTGAGATCACAGCTGCC[C>G]CAAAGTGTAAAGAAATGCAGAATTCTCTCAATAATGATAAAAACCTTGTTTCTATTGAGA-3'
Protein context (NP_000050.3, residues 1579-1599): ACETIEITAA[Pro1589Ala]KCKEMQNSLN